The following is an entry in ClinVar:

ClinVar aggregate classification (germline): Uncertain significance. Review status: criteria provided, multiple submitters, no conflicts (2 of 4 stars). 2 submissions from 2 submitters: Uncertain significance (2). Last evaluated 2022-09-07.

Allele frequency attached by ClinVar (database versions not stated): TOPMed 0.00001.

Submissions (2):

Greenwood Genetic Center Diagnostic Laboratories, Greenwood Genetic Center
Classification: Uncertain significance. Last evaluated: 2022-09-07. Review status: criteria provided, single submitter. Criteria: ACMG Guidelines, 2015. Collection method: clinical testing. Allele origin: germline. Affected: yes.
Comment: PM2, PP3

ARUP Laboratories, Molecular Genetics and Genomics, ARUP Laboratories
Classification: Uncertain significance. Last evaluated: 2019-01-02. Review status: criteria provided, single submitter. Criteria: ARUP Molecular Germline Variant Investigation Process. Collection method: clinical testing. Allele origin: germline.
Comment: The GLI2 c.1690T>G; p.Tyr564Asp variant (rs1015526827), to our knowledge, is not reported in the medical literature or gene specific databases. This variant is also absent from general population databases (Exome Variant Server, Genome Aggregation Database), indicating it is not a common polymorphism. The tyrosine at codon 564 is highly conserved, it occurs in a C2H2 zinc finger domain involved in DNA binding (Pavletich 1993), and computational analyses (SIFT, PolyPhen-2) predict that this variant is deleterious. Further, the p.Tyr564Asp variant disrupts the zinc finger consensus sequence by replacing a conserved aromatic residue involved in hydrophobic packing (Ganss 2004) with an acidic aspartate residue that may affect the domain structure. However, given the lack of clinical and functional data, the significance of the p.Tyr564Asp variant is uncertain at this time. References: Ganss B and Jheon A. Zinc finger transcription factors in skeletal development. Crit Rev Oral Biol Med. 2004 Sep 1;15(5):282-97. Pavletich NP and Pabo CO. Crystal structure of a five-finger GLI-DNA complex: new perspectives on zinc fingers. Science. 1993 Sep 24;261(5129):1701-7.

NM_001374353.1(GLI2):c.1639T>G (p.Tyr547Asp)

Gene: GLI2 (GLI family zinc finger 2; plus strand). Cytogenetic location: 2q14.2.
Variant type: single nucleotide variant.
Coding change: c.1639T>G on transcript NM_001374353.1 (MANE Select); coding-DNA position 1639, T replaced by G.
Protein change: p.Tyr547Asp; replaces tyrosine 547 with aspartic acid.
Molecular consequence: missense variant.
Genome position (GRCh38, 1-based): chr2:120,984,477, T>G. VCF-style: chr2-120984477-T-G. GRCh37 (hg19) VCF-style: chr2-121742053-T-G.
Other names: c.1690T>G, p.Tyr564Asp (NM_001371271.1, NM_005270.5); c.1264T>G, p.Tyr422Asp (NM_001374354.1); short protein forms Y422D, Y547D, Y564D.
Identifiers: ClinVar variation 811168 (VCV000811168.10), dbSNP rs1015526827, ClinGen allele CA54377917.